The following is an entry in ClinVar:

NM_001367873.1(SOX6):c.879del (p.Gly294fs)

Genes: SOX6 (SRY-box transcription factor 6; minus strand), LOC128772343 (melanoma risk locus-associated MPRA allelic enhancer 11:16133413; plus strand). Cytogenetic location: 11p15.2.
Variant type: Deletion.
Coding change: c.879del on transcript NM_001367873.1 (MANE Select); coding-DNA position 879, one base deleted (T; older notation c.879delT).
Protein change: p.Gly294fs; shifts the reading frame from glycine 294.
Molecular consequence: frameshift variant.
Genome position (GRCh38, 1-based): chr11:16,111,822, A deleted on the plus strand (T on the coding strand, the reverse complement: SOX6 is on the minus strand). VCF-style (leftmost placement, unchanged base first): chr11-16111821-CA-C. GRCh37 (hg19) VCF-style: chr11-16133367-CA-C.
Other names: c.879del, p.Gly294fs (NM_001145811.2, NM_001145819.2, NM_001367872.1 and 2 more transcripts); short protein forms G294fs.
Identifiers: ClinVar variation 4850115 (VCV004850115.1).

ClinVar aggregate classification (germline): Pathogenic (1 of 4 stars; one submission).

Conditions:
Tolchin-Le Caignec syndrome. Also called: INTELLECTUAL DEVELOPMENTAL DISORDER WITH BEHAVIORAL ABNORMALITIES AND VARIABLE BONE DEFECTS. Identifiers: MedGen C5436509, MONDO:0033544, OMIM 618971.

Submission:

Variantyx, Inc.
Classification: Pathogenic for Tolchin-Le Caignec syndrome. Last evaluated: 2025-05-20. Review status: criteria provided, single submitter. Criteria: Variantyx Assertion Criteria 2022. Collection method: clinical testing. Allele origin: de novo. Inheritance: Autosomal dominant inheritance. Affected: yes.
Comment: This is a frameshift variant in the SOX6 gene (OMIM: 607257). Pathogenic variants in this gene have been associated with autosomal dominant Tolchin-Le Caignec syndrome. This variant introduces a premature termination codon in exon 7 out of 16 and is expected to result in loss of function, which is a known disease mechanism for SOX6 in this disorder (PMID: 32442410) (PVS1). This variant is absent from control populations (PM2) and it has not been reported in individuals with SOX6-related disorders in the databases available for review. Based on the current evidence, this variant is classified as pathogenic for autosomal dominant Tolchin-Le Caignec syndrome.

Literature cited by the submitters: PubMed 32442410.